The following is an entry in ClinVar:

NM_002233.4(KCNA4):c.1743G>A (p.Gln581=)

Gene: KCNA4 (potassium voltage-gated channel subfamily A member 4; minus strand). Cytogenetic location: 11p14.1.
Variant type: single nucleotide variant.
Coding change: c.1743G>A on transcript NM_002233.4 (MANE Select); coding-DNA position 1743, G replaced by A.
Protein change: p.Gln581=; no amino-acid change (glutamine 581 retained).
Molecular consequence: synonymous variant.
Genome position (GRCh38, 1-based): chr11:30,010,936, C>T on the plus strand (G>A on the coding strand, the complement: KCNA4 is on the minus strand). VCF-style: chr11-30010936-C-T. GRCh37 (hg19) VCF-style: chr11-30032483-C-T.
Identifiers: ClinVar variation 2641696 (VCV002641696.24), dbSNP rs199569433, ClinGen allele CA5930452.

ClinVar aggregate classification (germline): Likely benign (1 of 4 stars; one submission).

Allele frequency attached by ClinVar (database versions not stated): gnomAD exomes 0.00018; ExAC 0.00057; ESP Exome Variant Server 0.00195; gnomAD 0.00213; 1000 Genomes Project 0.00220; TOPMed 0.00234; 1000 Genomes Project 30x 0.00265.

Submission:

CeGaT Center for Human Genetics Tuebingen
Classification: Likely benign. Last evaluated: 2023-09-01. Review status: criteria provided, single submitter. Criteria: CeGaT Center For Human Genetics Tuebingen Variant Classification Criteria Version 2. Collection method: clinical testing. Allele origin: germline. Affected: yes. Observed: 4 variant alleles.
Comment: KCNA4: BP4, BP7